The following is an entry in ClinVar:

ClinVar aggregate classification (germline): Likely pathogenic (1 of 4 stars; one submission).

Conditions:
Usher syndrome type 2A. Also called: RETINAL DISEASE IN USHER SYNDROME TYPE IIA, MODIFIER OF; USHER SYNDROME, TYPE IIA. Identifiers: Orphanet 231178, Orphanet 886, MedGen C1848634, MONDO:0010169, OMIM 276901.

Submission:

Myriad Genetics, Inc.
Classification: Likely pathogenic for Usher syndrome type 2A. Last evaluated: 2022-03-11. Review status: criteria provided, single submitter. Criteria: Myriad Women's Health Autosomal Recessive and X-Linked Classification Criteria (2021). Collection method: clinical testing. Allele origin: unknown.
Comment: NM_206933.2(USH2A):c.2451C>A(C817*) is expected to be pathogenic in the context of USH2A-related disorders. This variant is predicted to lead to an abnormal or absent protein product due to the creation of a premature termination codon in USH2A, a gene where loss-of-function variants are known to be pathogenic. Please note: this variant was assessed in the context of healthy population screening.

NM_206933.4(USH2A):c.2451C>A (p.Cys817Ter)

Genes: USH2A (usherin; minus strand), LOC122152296 (Sharpr-MPRA regulatory region 8762; plus strand). Cytogenetic location: 1q41.
Variant type: single nucleotide variant.
Coding change: c.2451C>A on transcript NM_206933.4 (MANE Select); coding-DNA position 2451, C replaced by A.
Protein change: p.Cys817Ter; replaces cysteine 817 with a stop codon.
Molecular consequence: nonsense.
Genome position (GRCh38, 1-based): chr1:216,246,943, G>T on the plus strand (C>A on the coding strand, the complement: USH2A is on the minus strand). VCF-style: chr1-216246943-G-T. GRCh37 (hg19) VCF-style: chr1-216420285-G-T.
Other names: c.2451C>A, p.Cys817Ter (NM_007123.6); short protein forms C817*.
Identifiers: ClinVar variation 1725163 (VCV001725163.2), dbSNP rs2102545764, ClinGen allele CA344864771.